The following is an entry in ClinVar:

ClinVar aggregate classification (germline): Uncertain significance (1 of 4 stars; one submission).

Allele frequency attached by ClinVar (database versions not stated): ExAC 0.00002; gnomAD exomes 0.00002; gnomAD 0.00003; TOPMed 0.00005; ESP Exome Variant Server 0.00008.
gnomAD v4.1: 31 of 1,614,084 alleles (0.0019%); highest among the groups gnomAD compares: African/African-American, 0.008%; no homozygotes.

Submission:

Labcorp Genetics (formerly Invitae), Labcorp
Classification: Uncertain significance. Last evaluated: 2023-12-30. Review status: criteria provided, single submitter. Criteria: Invitae Variant Classification Sherloc (09022015). Collection method: clinical testing. Allele origin: germline.
Comment: This sequence change replaces arginine, which is basic and polar, with histidine, which is basic and polar, at codon 1134 of the CAMTA1 protein (p.Arg1134His). This variant is present in population databases (rs370253741, gnomAD 0.02%). This variant has not been reported in the literature in individuals affected with CAMTA1-related conditions. An algorithm developed to predict the effect of missense changes on protein structure and function (PolyPhen-2) suggests that this variant is likely to be tolerated. In summary, the available evidence is currently insufficient to determine the role of this variant in disease. Therefore, it has been classified as a Variant of Uncertain Significance.

NM_015215.4(CAMTA1):c.3401G>A (p.Arg1134His)

Gene: CAMTA1 (calmodulin binding transcription activator 1; plus strand). Cytogenetic location: 1p36.23.
Variant type: single nucleotide variant.
Coding change: c.3401G>A on transcript NM_015215.4 (MANE Select); coding-DNA position 3401, G replaced by A.
Protein change: p.Arg1134His; replaces arginine 1134 with histidine.
Molecular consequence: missense variant.
Genome position (GRCh38, 1-based): chr1:7,737,313, G>A. VCF-style: chr1-7737313-G-A. GRCh37 (hg19) VCF-style: chr1-7797373-G-A.
Other names: c.3311G>A, p.Arg1104His (NM_001349608.2, NM_001349612.2); c.3401G>A, p.Arg1134His (NM_001349609.2, NM_001349610.2, NM_001410737.1); c.530G>A, p.Arg177His (NM_001349613.1); c.473G>A, p.Arg158His (NM_001349614.1, NM_001349615.2, NM_001349616.2 and 10 more transcripts); c.3329G>A, p.Arg1110His (NM_001410738.1); short protein forms R1110H, R158H, R177H, R1134H, R1104H.
Identifiers: ClinVar variation 2740156 (VCV002740156.3), dbSNP rs370253741, ClinGen allele CA566949.
Genomic context (GRCh38, chr1:7,737,313, plus strand): 5'-AGATGTGGGCGTGTGCCCTAGGGCACTTGGAAGCTGCCGTCGTGCTGTACAAGTGGGACC[G>A]TCGGGCCATCTCGATTCCCGACTCTCTAGGAAGGCTGCCTTTGGGAATTGCCAGGTCACG-3'
Protein context (NP_056030.1, residues 1124-1144): EAAVVLYKWD[Arg1134His]RAISIPDSLG